The following is an entry in ClinVar:

ClinVar aggregate classification (germline): Likely benign (0 of 4 stars; one submission).

Conditions:
PHF21A-related disorder. Also called: PHF21A-related condition.

Submission:

PreventionGenetics, part of Exact Sciences
Classification: Likely benign for PHF21A-related condition. Last evaluated: 2019-10-01. Review status: no assertion criteria provided. Collection method: clinical testing. Allele origin: germline.
Comment: This variant is classified as likely benign based on ACMG/AMP sequence variant interpretation guidelines (Richards et al. 2015 PMID: 25741868, with internal and published modifications).

NM_001352027.3(PHF21A):c.1685-4_1685-3dup

Gene: PHF21A (PHD finger protein 21A; minus strand). Cytogenetic location: 11p11.2.
Variant type: Duplication.
Coding change: c.1685-4_1685-3dup on transcript NM_001352027.3 (MANE Select); 4 bases into the intron before coding-DNA position 1685 through 3 bases into the intron before coding-DNA position 1685, 2 bases duplicated (TT; older notation c.1685-4_1685-3dupTT).
Molecular consequence: intron variant.
Genome position (GRCh38, 1-based): chr11:45,935,742-45,935,743, AA duplicated on the plus strand (TT on the coding strand, the reverse complement: PHF21A is on the minus strand); duplicating any 2 consecutive bases within chr11:45,935,742-45,935,764 gives the same sequence; the c. name uses the placement nearest the transcript's 3' end. VCF-style (leftmost placement, unchanged base first): chr11-45935741-T-TAA. GRCh37 (hg19) VCF-style: chr11-45957292-T-TAA.
Other names: c.1541-4_1541-3dup (NM_001352030.3, NM_001352031.3, NM_001352032.3); c.1682-4_1682-3dup (NM_001101802.3); c.1685-4_1685-3dup (NM_001352026.3, NM_001352025.3); c.1544-4_1544-3dup (NM_016621.5, NM_001352028.1, NM_001352029.1).
Identifiers: ClinVar variation 3042619 (VCV003042619.2), dbSNP rs35995547, ClinGen allele CA473864608.